The following is an entry in ClinVar:

NM_005142.3(CBLIF):c.47C>T (p.Ala16Val)

Gene: CBLIF (cobalamin binding intrinsic factor; minus strand). Cytogenetic location: 11q12.1.
Variant type: single nucleotide variant.
Coding change: c.47C>T on transcript NM_005142.3 (MANE Select); coding-DNA position 47, C replaced by T.
Protein change: p.Ala16Val; replaces alanine 16 with valine.
Molecular consequence: missense variant.
Genome position (GRCh38, 1-based): chr11:59,845,407, G>A on the plus strand (C>T on the coding strand, the complement: CBLIF is on the minus strand). VCF-style: chr11-59845407-G-A. GRCh37 (hg19) VCF-style: chr11-59612880-G-A.
Other names: short protein forms A16V.
Identifiers: ClinVar variation 2054047 (VCV002054047.1), dbSNP rs1479570100, ClinGen allele CA380804987.

ClinVar aggregate classification (germline): Uncertain significance (1 of 4 stars; one submission).

Conditions:
Hereditary intrinsic factor deficiency (IFD). Also called: PERNICIOUS ANEMIA, CONGENITAL, DUE TO DEFECT OF INTRINSIC FACTOR; Congenital intrinsic factor deficiency. Identifiers: Orphanet 332, MedGen C2062370, MONDO:0009852, OMIM 261000.

Allele frequency attached by ClinVar (database versions not stated): gnomAD exomes 0.00001.
gnomAD v4.1: 8 of 1,612,540 alleles (0.0005%); highest among the groups gnomAD compares: South Asian, 0.0011%; no homozygotes.

Submission:

Labcorp Genetics (formerly Invitae), Labcorp
Classification: Uncertain significance for Hereditary intrinsic factor deficiency. Last evaluated: 2022-08-22. Review status: criteria provided, single submitter. Criteria: Invitae Variant Classification Sherloc (09022015). Collection method: clinical testing. Allele origin: germline.
Comment: This sequence change replaces alanine, which is neutral and non-polar, with valine, which is neutral and non-polar, at codon 16 of the GIF protein (p.Ala16Val). This variant is present in population databases (no rsID available, gnomAD 0.0009%). This variant has not been reported in the literature in individuals affected with GIF-related conditions. Algorithms developed to predict the effect of missense changes on protein structure and function output the following: SIFT: "Tolerated"; PolyPhen-2: "Possibly Damaging"; Align-GVGD: "Class C0". The valine amino acid residue is found in multiple mammalian species, which suggests that this missense change does not adversely affect protein function. In summary, the available evidence is currently insufficient to determine the role of this variant in disease. Therefore, it has been classified as a Variant of Uncertain Significance.